The following is an entry in ClinVar:

ClinVar aggregate classification (germline): Likely benign (1 of 4 stars; one submission).

Submission:

GeneDx
Classification: Likely benign. Last evaluated: 2016-01-18. Review status: criteria provided, single submitter. Criteria: GeneDx Variant Classification (06012015). Collection method: clinical testing. Allele origin: germline. Affected: yes.
Comment: This variant is considered likely benign or benign based on one or more of the following criteria: it is a conservative change, it occurs at a poorly conserved position in the protein, it is predicted to be benign by multiple in silico algorithms, and/or has population frequency not consistent with disease.

NM_032634.4(PIGO):c.-2+16_-2+19dup

Gene: PIGO (phosphatidylinositol glycan anchor biosynthesis class O; minus strand). Cytogenetic location: 9p13.3.
Variant type: Duplication.
Coding change: c.-2+16_-2+19dup on transcript NM_032634.4 (MANE Select); bases 16 to 19 of the intron after 2 bases upstream of the start codon, 4 bases duplicated (TACC; older notation c.-2+16_-2+19dupTACC).
Molecular consequence: intron variant.
Genome position (GRCh38, 1-based): chr9:35,096,136-35,096,139, GGTA duplicated on the plus strand (TACC on the coding strand, the reverse complement: PIGO is on the minus strand); duplicating any 4 consecutive bases within chr9:35,096,136-35,096,140 gives the same sequence; the c. name uses the placement nearest the transcript's 3' end. VCF-style (leftmost placement, unchanged base first): chr9-35096135-T-TGGTA. GRCh37 (hg19) VCF-style: chr9-35096132-T-TGGTA.
Other names: c.-2+422_-2+425dup (NM_152850.4); c.-100+16_-100+19dup (NM_001201484.2); c.-2+16_-2+19dupTACC (NM_032634.3).
Identifiers: ClinVar variation 420348 (VCV000420348.1), dbSNP rs1554674000, ClinGen allele CA16618855.
Genomic context (GRCh38, chr9:35,096,135, plus strand): 5'-GGCAGGAAATGCTAATGCTGCCTGTACATGTGAACAGTCAGGAGGGAAACTTATTCCAAT[T>TGGTA]GGTAGTCAGGCTCTCTTACACGCCGTTTCTGCGCCTCTCCCCTCGCCAATCTCAATACCC-3'